The following is an entry in ClinVar:

NM_001378454.1(ALMS1):c.11354T>C (p.Ile3785Thr)

Gene: ALMS1 (ALMS1 centrosome and basal body associated protein; plus strand). Cytogenetic location: 2p13.1.
Variant type: single nucleotide variant.
Coding change: c.11354T>C on transcript NM_001378454.1 (MANE Select); coding-DNA position 11354, T replaced by C.
Protein change: p.Ile3785Thr; replaces isoleucine 3785 with threonine.
Molecular consequence: missense variant.
Genome position (GRCh38, 1-based): chr2:73,573,231, T>C. VCF-style: chr2-73573231-T-C. GRCh37 (hg19) VCF-style: chr2-73800358-T-C.
Other names: c.11357T>C, p.Ile3786Thr (NM_015120.4); short protein forms I3786T, I3785T.
Identifiers: ClinVar variation 2046720 (VCV002046720.2), dbSNP rs1244225427, ClinGen allele CA347289242.

ClinVar aggregate classification (germline): Uncertain significance. Review status: criteria provided, multiple submitters, no conflicts (2 of 4 stars). 2 submissions from 2 submitters: Uncertain significance (2). Last evaluated 2024-08-22.

Conditions:
Alstrom syndrome (ALMS). Identifiers: Orphanet 64, MedGen C0268425, MONDO:0008763, OMIM 203800.
Cardiovascular phenotype. Identifiers: MedGen CN230736.

Allele frequency attached by ClinVar (database versions not stated): gnomAD exomes below 0.00001; gnomAD 0.00001; TOPMed 0.00002.
gnomAD v4.1: 8 of 1,613,424 alleles (0.0005%); highest among the groups gnomAD compares: Non-Finnish European, 0.00059%; no homozygotes.

Submissions (2):

Ambry Genetics
Classification: Uncertain significance for Cardiovascular phenotype. Last evaluated: 2024-08-22. Review status: criteria provided, single submitter. Criteria: Ambry Variant Classification Scheme 2023. Collection method: clinical testing. Allele origin: germline.
Comment: The p.I3786T variant (also known as c.11357T>C), located in coding exon 16 of the ALMS1 gene, results from a T to C substitution at nucleotide position 11357. The isoleucine at codon 3786 is replaced by threonine, an amino acid with similar properties. This amino acid position is highly conserved in available vertebrate species. In addition, the in silico prediction for this alteration is inconclusive. Based on the available evidence, the clinical significance of this variant remains unclear.

Labcorp Genetics (formerly Invitae), Labcorp
Classification: Uncertain significance for Alstrom syndrome. Last evaluated: 2022-08-20. Review status: criteria provided, single submitter. Criteria: Invitae Variant Classification Sherloc (09022015). Collection method: clinical testing. Allele origin: germline.
Comment: This sequence change replaces isoleucine, which is neutral and non-polar, with threonine, which is neutral and polar, at codon 3786 of the ALMS1 protein (p.Ile3786Thr). This variant is present in population databases (no rsID available, gnomAD 0.0009%). This variant has not been reported in the literature in individuals affected with ALMS1-related conditions. Experimental studies and prediction algorithms are not available or were not evaluated, and the functional significance of this variant is currently unknown. In summary, the available evidence is currently insufficient to determine the role of this variant in disease. Therefore, it has been classified as a Variant of Uncertain Significance.